The following is an entry in ClinVar:

ClinVar aggregate classification (germline): Likely pathogenic (1 of 4 stars; one submission).

Submission:

Labcorp Genetics (formerly Invitae), Labcorp
Classification: Likely pathogenic. Last evaluated: 2024-12-04. Review status: criteria provided, single submitter. Criteria: Invitae Variant Classification Sherloc (09022015). Collection method: clinical testing. Allele origin: germline.
Comment: This sequence change affects an acceptor splice site in intron 15 of the ERCC6L2 gene. It is expected to disrupt RNA splicing. Variants that disrupt the donor or acceptor splice site typically lead to a loss of protein function (PMID: 16199547), and loss-of-function variants in ERCC6L2 are known to be pathogenic (PMID: 24507776, 27185855, 29146883, 29987015). This variant is not present in population databases (gnomAD no frequency). This variant has not been reported in the literature in individuals affected with ERCC6L2-related conditions. Algorithms developed to predict the effect of sequence changes on RNA splicing suggest that this variant may disrupt the consensus splice site. In summary, the currently available evidence indicates that the variant is pathogenic, but additional data are needed to prove that conclusively. Therefore, this variant has been classified as Likely Pathogenic.

Literature cited by the submitters: PubMed 16199547; PubMed 24507776; PubMed 27185855; PubMed 29146883; PubMed 29987015.

NM_020207.7(ERCC6L2):c.2182-2A>G

Gene: ERCC6L2 (ERCC excision repair 6 like 2; plus strand). Cytogenetic location: 9q22.32.
Variant type: single nucleotide variant.
Coding change: c.2182-2A>G on transcript NM_020207.7 (MANE Select); the canonical splice acceptor site of the intron before coding-DNA position 2182, A replaced by G.
Molecular consequence: splice acceptor variant.
Genome position (GRCh38, 1-based): chr9:95,971,931, A>G. VCF-style: chr9-95971931-A-G. GRCh37 (hg19) VCF-style: chr9-98734213-A-G.
Other names: c.2182-2A>G (NM_001375291.1, NM_001375292.1, NM_001375294.1 and 1 more transcripts).
Identifiers: ClinVar variation 3676724 (VCV003676724.2).